The following is an entry in ClinVar:

NM_022168.4(IFIH1):c.2120C>A (p.Thr707Asn)

Gene: IFIH1 (interferon induced with helicase C domain 1; minus strand). Cytogenetic location: 2q24.2.
Variant type: single nucleotide variant.
Coding change: c.2120C>A on transcript NM_022168.4 (MANE Select); coding-DNA position 2120, C replaced by A.
Protein change: p.Thr707Asn; replaces threonine 707 with asparagine.
Molecular consequence: missense variant.
Genome position (GRCh38, 1-based): chr2:162,276,871, G>T on the plus strand (C>A on the coding strand, the complement: IFIH1 is on the minus strand). VCF-style: chr2-162276871-G-T. GRCh37 (hg19) VCF-style: chr2-163133381-G-T.
Other names: short protein forms T707N.
Identifiers: ClinVar variation 1394768 (VCV001394768.6), dbSNP rs2105196747, ClinGen allele CA348997580.

ClinVar aggregate classification (germline): Uncertain significance (1 of 4 stars; one submission).

Conditions:
Aicardi-Goutieres syndrome 7 (AGS7). Identifiers: Orphanet 51, MedGen C3888244, MONDO:0014367, OMIM 615846.
Singleton-Merten syndrome 1 (SGMRT1). Also called: Widened medullary cavities of bone, aortic calcification, abnormal dentition, and muscular weakness; Syndrome of widened medullary cavities of the metacarpals and phalanges, aortic calcification and abnormal dentition. Identifiers: Orphanet 85191, MedGen C4225427, MONDO:0024535, OMIM 182250.

Submission:

Labcorp Genetics (formerly Invitae), Labcorp
Classification: Uncertain significance for Aicardi-Goutieres syndrome 7; Singleton-Merten syndrome 1. Last evaluated: 2021-11-23. Review status: criteria provided, single submitter. Criteria: Invitae Variant Classification Sherloc (09022015). Collection method: clinical testing. Allele origin: germline.
Comment: This sequence change replaces threonine, which is neutral and polar, with asparagine, which is neutral and polar, at codon 707 of the IFIH1 protein (p.Thr707Asn). This variant is not present in population databases (gnomAD no frequency). This variant has not been reported in the literature in individuals affected with IFIH1-related conditions. Algorithms developed to predict the effect of missense changes on protein structure and function are either unavailable or do not agree on the potential impact of this missense change (SIFT: "Tolerated"; PolyPhen-2: "Possibly Damaging"; Align-GVGD: "Class C0"). In summary, the available evidence is currently insufficient to determine the role of this variant in disease. Therefore, it has been classified as a Variant of Uncertain Significance.